The following is an entry in ClinVar:

ClinVar aggregate classification (germline): Likely pathogenic. Review status: criteria provided, multiple submitters, no conflicts (2 of 4 stars). 2 submissions from 2 submitters: Likely pathogenic (2). Last evaluated 2022-06-15.

Conditions:
Baraitser-winter syndrome 2. Identifiers: Orphanet 2995, MedGen C3281235, MONDO:0013812, OMIM 614583.

Submissions (2):

GeneDx
Classification: Likely pathogenic. Last evaluated: 2022-06-15. Review status: criteria provided, single submitter. Criteria: GeneDx Variant Classification Process June 2021. Collection method: clinical testing. Allele origin: germline.
Comment: Not observed at significant frequency in large population cohorts (gnomAD); Missense variants in this gene are often considered pathogenic (HGMD); In silico analysis supports that this missense variant does not alter protein structure/function; This variant is associated with the following publications: (PMID: 26188271, 27625340)

CENTOGENE GmbH and LLC - Guiding Precision Medicine
Classification: Likely pathogenic for Baraitser-winter syndrome 2. Last evaluated: 2020-02-20. Review status: criteria provided, single submitter. Criteria: ACMG Guidelines, 2015. Collection method: clinical testing. Allele origin: de novo.

NM_001614.5(ACTG1):c.459G>A (p.Met153Ile)

Gene: ACTG1 (actin gamma 1; minus strand). Cytogenetic location: 17q25.3.
Variant type: single nucleotide variant.
Coding change: c.459G>A on transcript NM_001614.5 (MANE Select); coding-DNA position 459, G replaced by A.
Protein change: p.Met153Ile; replaces methionine 153 with isoleucine.
Molecular consequence: missense variant. On other transcripts: non-coding transcript variant (1).
Genome position (GRCh38, 1-based): chr17:81,511,531, C>T on the plus strand (G>A on the coding strand, the complement: ACTG1 is on the minus strand). VCF-style: chr17-81511531-C-T. GRCh37 (hg19) VCF-style: chr17-79478557-C-T.
Other names: c.459G>A, p.Met153Ile (NM_001199954.3); c.459G>A (NM_001614.3); short protein forms M153I.
Identifiers: ClinVar variation 1333817 (VCV001333817.2), dbSNP rs2143779081, ClinGen allele CA401461108.